The following is an entry in ClinVar:

ClinVar aggregate classification (germline): Uncertain significance (1 of 4 stars; one submission).

Conditions:
Dilated cardiomyopathy 1DD (CMD1DD). Identifiers: Orphanet 154, MedGen C2750995, MONDO:0013168, OMIM 613172.

Submission:

Labcorp Genetics (formerly Invitae), Labcorp
Classification: Uncertain significance for Dilated cardiomyopathy 1DD. Last evaluated: 2022-09-16. Review status: criteria provided, single submitter. Criteria: Invitae Variant Classification Sherloc (09022015). Collection method: clinical testing. Allele origin: germline.
Comment: This variant, c.138_149dup, results in the insertion of 4 amino acid(s) of the RBM20 protein (p.Gln49_Pro52dup), but otherwise preserves the integrity of the reading frame. This variant is not present in population databases (gnomAD no frequency). This variant has not been reported in the literature in individuals affected with RBM20-related conditions. ClinVar contains an entry for this variant (Variation ID: 238543). Experimental studies and prediction algorithms are not available or were not evaluated, and the functional significance of this variant is currently unknown. In summary, the available evidence is currently insufficient to determine the role of this variant in disease. Therefore, it has been classified as a Variant of Uncertain Significance.

NM_001134363.3(RBM20):c.138_149dup (p.Gln49_Pro52dup)

Gene: RBM20 (RNA binding motif protein 20; plus strand). Cytogenetic location: 10q25.2.
Variant type: Duplication.
Coding change: c.138_149dup on transcript NM_001134363.3 (MANE Select); coding-DNA positions 138 to 149, 12 bases duplicated (GCCGCCCCAGCC).
Protein change: p.Gln49_Pro52dup.
Molecular consequence: inframe insertion.
Genome position (GRCh38, 1-based): chr10:110,644,592-110,644,603, GCCGCCCCAGCC duplicated; duplicating any 12 consecutive bases within chr10:110,644,589-110,644,603 gives the same sequence; the c. name uses the placement nearest the transcript's 3' end. VCF-style (leftmost placement, unchanged base first): chr10-110644588-C-CGCCGCCGCCCCA. GRCh37 (hg19) VCF-style: chr10-112404346-C-CGCCGCCGCCCCA.
Identifiers: ClinVar variation 238543 (VCV000238543.6), dbSNP rs878854248, ClinGen allele CA10582698.